The following is an entry in ClinVar:

ClinVar aggregate classification (germline): Uncertain significance (1 of 4 stars; one submission).

Submission:

Women's Health and Genetics/Laboratory Corporation of America, LabCorp
Classification: Uncertain significance. Last evaluated: 2024-09-10. Review status: criteria provided, single submitter. Criteria: LabCorp Variant Classification Summary - May 2015. Collection method: clinical testing. Allele origin: germline.
Comment: Variant summary: HNRNPA2B1 c.1006T>G (p.Tyr336Asp) results in a non-conservative amino acid change in the encoded protein sequence. Four of five in-silico tools predict a damaging effect of the variant on protein function. The variant was absent in 251392 control chromosomes (gnomAD). The available data on variant occurrences in the general population are insufficient to allow any conclusion about variant significance. To our knowledge, no occurrence of c.1006T>G in individuals affected with HNRNPA2B1-Related Disorders and no experimental evidence demonstrating its impact on protein function have been reported. No submitters have cited clinical-significance assessments for this variant to ClinVar. Based on the evidence outlined above, the variant was classified as uncertain significance.

NM_002137.4(HNRNPA2B1):c.970T>G (p.Tyr324Asp)

Gene: HNRNPA2B1 (heterogeneous nuclear ribonucleoprotein A2/B1; minus strand). Cytogenetic location: 7p15.2.
Variant type: single nucleotide variant.
Coding change: c.970T>G on transcript NM_002137.4 (MANE Select); coding-DNA position 970, T replaced by G.
Protein change: p.Tyr324Asp; replaces tyrosine 324 with aspartic acid.
Molecular consequence: missense variant.
Genome position (GRCh38, 1-based): chr7:26,192,572, A>C on the plus strand (T>G on the coding strand, the complement: HNRNPA2B1 is on the minus strand). VCF-style: chr7-26192572-A-C. GRCh37 (hg19) VCF-style: chr7-26232192-A-C.
Other names: c.1006T>G, p.Tyr336Asp (NM_031243.4); short protein forms Y324D, Y336D.
Identifiers: ClinVar variation 3374932 (VCV003374932.1).